The following is an entry in ClinVar:

ClinVar aggregate classification (germline): Uncertain significance (1 of 4 stars; one submission).

Conditions:
Inborn genetic diseases. Identifiers: MedGen C0950123, MeSH D030342.

Submission:

Ambry Genetics
Classification: Uncertain significance for Inborn genetic diseases. Last evaluated: 2026-06-04. Review status: criteria provided, single submitter. Criteria: Ambry Variant Classification Scheme 2023. Collection method: clinical testing. Allele origin: germline.
Comment: The p.S1008L variant (also known as c.3023C>T), located in coding exon 24 of the ANKRD26 gene, results from a C to T substitution at nucleotide position 3023. The serine at codon 1008 is replaced by leucine, an amino acid with dissimilar properties. This amino acid position is conserved. In addition, this alteration is predicted to be tolerated by in silico analysis. Based on the available evidence, the clinical significance of this variant remains unclear.

NM_014915.3(ANKRD26):c.3023C>T (p.Ser1008Leu)

Gene: ANKRD26 (ankyrin repeat domain 26; minus strand). Cytogenetic location: 10p12.1.
Variant type: single nucleotide variant.
Coding change: c.3023C>T on transcript NM_014915.3 (MANE Select); coding-DNA position 3023, C replaced by T.
Protein change: p.Ser1008Leu; replaces serine 1008 with leucine.
Molecular consequence: missense variant.
Genome position (GRCh38, 1-based): chr10:27,035,427, G>A on the plus strand (C>T on the coding strand, the complement: ANKRD26 is on the minus strand). VCF-style: chr10-27035427-G-A. GRCh37 (hg19) VCF-style: chr10-27324356-G-A.
Other names: c.3020C>T, p.Ser1007Leu (NM_001256053.2); short protein forms S1007L, S1008L.
Identifiers: ClinVar variation 4859955 (VCV004859955.1).
Genomic context (GRCh38, chr10:27,035,427, plus strand): 5'-CTTTTTGATGTCTCACTTTGATCACGATCATGTATAGCAGCAGCCAATCTAGAATGGTAT[G>A]ATTCAACTTCTGCTTCCAGTCTTTCCTTGCTTTGCTTTTCATTCTCCAGTTTAGAATTTA-3'
Protein context (NP_055730.2, residues 998-1018): SKERLEAEVE[Ser1008Leu]YHSRLAAAIH